The following is an entry in ClinVar:

ClinVar aggregate classification (germline): Uncertain significance. Review status: criteria provided, single submitter (1 of 4 stars). 2 submissions from 2 submitters: Uncertain significance (1). 1 of the submissions does not count toward it. Last evaluated 2022-06-15.

Conditions:
Agammaglobulinemia 6, autosomal recessive (AGM6). Also called: AGAMMAGLOBULINEMIA 6; AGAMMAGLOBULINEMIA, AUTOSOMAL RECESSIVE, DUE TO CD79B DEFECT. Identifiers: MedGen C3150207, MONDO:0012987, OMIM 612692.

Allele frequency attached by ClinVar (database versions not stated): gnomAD 0.00002 and 0.00004; gnomAD exomes 0.00002 and 0.00012; TOPMed 0.00007; ExAC 0.00009; 1000 Genomes Project 0.00060; 1000 Genomes Project 30x 0.00062.

Submissions (2):

Labcorp Genetics (formerly Invitae), Labcorp
Classification: Uncertain significance for Agammaglobulinemia 6, autosomal recessive. Last evaluated: 2022-06-15. Review status: criteria provided, single submitter. Criteria: Invitae Variant Classification Sherloc (09022015). Collection method: clinical testing. Allele origin: germline.
Comment: This sequence change replaces asparagine, which is neutral and polar, with threonine, which is neutral and polar, at codon 73 of the CD79B protein (p.Asn73Thr). This variant is present in population databases (rs200126941, gnomAD 0.2%). This variant has not been reported in the literature in individuals affected with CD79B-related conditions. ClinVar contains an entry for this variant (Variation ID: 133838). Algorithms developed to predict the effect of missense changes on protein structure and function output the following: SIFT: "Not Available"; PolyPhen-2: "Benign"; Align-GVGD: "Not Available". The threonine amino acid residue is found in multiple mammalian species, which suggests that this missense change does not adversely affect protein function. In summary, the available evidence is currently insufficient to determine the role of this variant in disease. Therefore, it has been classified as a Variant of Uncertain Significance.

ITMI
No classification provided. Condition: AllHighlyPenetrant. Last evaluated: 2013-09-19. Review status: no classification provided. Collection method: reference population. Allele origin: germline. Not counted in ClinVar's aggregate classification.
Comment: Please see associated publication for description of ethnicities

Literature cited by the submitters: PubMed 24728327 (cited by ITMI).

NM_000626.4(CD79B):c.218A>C (p.Asn73Thr)

Genes: CD79B (CD79b molecule; minus strand), GH-LCR (growth hormone locus control region; plus strand). Cytogenetic location: 17q23.3.
Variant type: single nucleotide variant.
Coding change: c.218A>C on transcript NM_000626.4 (MANE Select); coding-DNA position 218, A replaced by C.
Protein change: p.Asn73Thr; replaces asparagine 73 with threonine.
Molecular consequence: missense variant. On other transcripts: intron variant (2).
Genome position (GRCh38, 1-based): chr17:63,930,286, T>G on the plus strand (A>C on the coding strand, the complement: CD79B is on the minus strand). VCF-style: chr17-63930286-T-G. GRCh37 (hg19) VCF-style: chr17-62007646-T-G.
Other names: c.221A>C, p.Asn74Thr (NM_001039933.3); c.119-398A>C (NM_021602.4); c.122-398A>C (NM_001329050.2); short protein forms N74T, N73T.
Identifiers: ClinVar variation 133838 (VCV000133838.7), dbSNP rs200126941, ClinGen allele CA157927.